The following is an entry in ClinVar:

ClinVar aggregate classification (germline): Uncertain significance (1 of 4 stars; one submission).

Submission:

Labcorp Genetics (formerly Invitae), Labcorp
Classification: Uncertain significance. Last evaluated: 2023-12-09. Review status: criteria provided, single submitter. Criteria: Invitae Variant Classification Sherloc (09022015). Collection method: clinical testing. Allele origin: germline.
Comment: This sequence change creates a premature translational stop signal (p.Gln410Valfs*12) in the POLE2 gene. It is expected to result in an absent or disrupted protein product. However, the current clinical and genetic evidence is not sufficient to establish whether loss-of-function variants in POLE2 cause disease. This variant is present in population databases (rs765799878, gnomAD 0.002%). This variant has not been reported in the literature in individuals affected with POLE2-related conditions. In summary, the available evidence is currently insufficient to determine the role of this variant in disease. Therefore, it has been classified as a Variant of Uncertain Significance.

NM_002692.4(POLE2):c.1222_1226dup (p.Gln410fs)

Gene: POLE2 (DNA polymerase epsilon 2, accessory subunit; minus strand). Cytogenetic location: 14q21.3.
Variant type: Duplication.
Coding change: c.1222_1226dup on transcript NM_002692.4 (MANE Select); coding-DNA positions 1222 to 1226, 5 bases duplicated (TGTAC; older notation c.1222_1226dupTGTAC).
Protein change: p.Gln410fs; shifts the reading frame from glutamine 410.
Molecular consequence: frameshift variant.
Genome position (GRCh38, 1-based): chr14:49,651,363-49,651,367, GTACA duplicated on the plus strand (TGTAC on the coding strand, the reverse complement: POLE2 is on the minus strand); duplicating any 5 consecutive bases within chr14:49,651,363-49,651,371 gives the same sequence; the c. name uses the placement nearest the transcript's 3' end. VCF-style (leftmost placement, unchanged base first): chr14-49651362-T-TGTACA. GRCh37 (hg19) VCF-style: chr14-50118080-T-TGTACA.
Other names: c.1144_1148dup, p.Gln384fs (NM_001197330.2); c.1222_1226dup, p.Gln410fs (NM_001197331.3); c.1219_1223dup, p.Gln409fs (NM_001348384.2); c.991_995dup, p.Gln333fs (NM_001348385.2); short protein forms Q333fs, Q409fs, Q384fs, Q410fs.
Identifiers: ClinVar variation 2727820 (VCV002727820.3), dbSNP rs765799878, ClinGen allele CA7173333.